The following is an entry in ClinVar:

NM_144631.6(ZNF513):c.1604C>T (p.Ala535Val)

Gene: ZNF513 (zinc finger protein 513; minus strand). Cytogenetic location: 2p23.3.
Variant type: single nucleotide variant.
Coding change: c.1604C>T on transcript NM_144631.6 (MANE Select); coding-DNA position 1604, C replaced by T.
Protein change: p.Ala535Val; replaces alanine 535 with valine.
Molecular consequence: missense variant.
Genome position (GRCh38, 1-based): chr2:27,377,567, G>A on the plus strand (C>T on the coding strand, the complement: ZNF513 is on the minus strand). VCF-style: chr2-27377567-G-A. GRCh37 (hg19) VCF-style: chr2-27600434-G-A.
Other names: c.1418C>T, p.Ala473Val (NM_001201459.2); short protein forms A473V, A535V.
Identifiers: ClinVar variation 2813769 (VCV002813769.3), dbSNP rs2465618180, ClinGen allele CA346213997.

ClinVar aggregate classification (germline): Uncertain significance (1 of 4 stars; one submission).

Submission:

Labcorp Genetics (formerly Invitae), Labcorp
Classification: Uncertain significance. Last evaluated: 2022-11-12. Review status: criteria provided, single submitter. Criteria: Invitae Variant Classification Sherloc (09022015). Collection method: clinical testing. Allele origin: germline.
Comment: This sequence change replaces alanine, which is neutral and non-polar, with valine, which is neutral and non-polar, at codon 535 of the ZNF513 protein (p.Ala535Val). This variant is not present in population databases (gnomAD no frequency). This variant has not been reported in the literature in individuals affected with ZNF513-related conditions. Algorithms developed to predict the effect of missense changes on protein structure and function are either unavailable or do not agree on the potential impact of this missense change (SIFT: "Deleterious"; PolyPhen-2: "Benign"; Align-GVGD: "Class C0"). In summary, the available evidence is currently insufficient to determine the role of this variant in disease. Therefore, it has been classified as a Variant of Uncertain Significance.